The following is an entry in ClinVar:

NM_000179.3(MSH6):c.2840A>G (p.Asn947Ser)

Gene: MSH6 (mutS homolog 6; plus strand). Cytogenetic location: 2p16.3.
Variant type: single nucleotide variant.
Coding change: c.2840A>G on transcript NM_000179.3 (MANE Select); coding-DNA position 2840, A replaced by G.
Protein change: p.Asn947Ser; replaces asparagine 947 with serine.
Molecular consequence: missense variant.
Genome position (GRCh38, 1-based): chr2:47,800,823, A>G. VCF-style: chr2-47800823-A-G. GRCh37 (hg19) VCF-style: chr2-48027962-A-G.
Other names: c.2450A>G, p.Asn817Ser (NM_001281492.2); c.1934A>G, p.Asn645Ser (NM_001281493.2, NM_001281494.2, NM_001406811.1 and 6 more transcripts); c.2936A>G, p.Asn979Ser (NM_001406795.1, NM_001406802.1); c.2840A>G, p.Asn947Ser (NM_001406796.1, NM_001406798.1, NM_001406800.1 and 2 more transcripts); c.2543A>G, p.Asn848Ser (NM_001406797.1, NM_001406801.1, NM_001406805.1 and 10 more transcripts); c.2315A>G, p.Asn772Ser (NM_001406799.1, NM_001406806.1, NM_001406807.1); c.2762A>G, p.Asn921Ser (NM_001406804.1); c.2846A>G, p.Asn949Ser (NM_001406813.1); and 2 more; short protein forms N891S, N979S, N262S, N817S, N645S, N772S, N848S, N921S.
Identifiers: ClinVar variation 1796712 (VCV001796712.3), dbSNP rs2104426514, ClinGen allele CA346755795.
Genomic context (GRCh38, chr2:47,800,823, plus strand): 5'-TTACTCCCAAAGCAGGCTTTGACTCTGATTATGACCAAGCTCTTGCTGACATAAGAGAAA[A>G]TGAACAGAGCCTCCTGGAATACCTAGAGAAACAGCGCAACAGAATTGGCTGTAGGACCAT-3'
Protein context (NP_000170.1, residues 937-957): YDQALADIRE[Asn947Ser]EQSLLEYLEK

ClinVar aggregate classification (germline): Uncertain significance (1 of 4 stars; one submission).

Conditions:
Hereditary cancer-predisposing syndrome. Also called: Tumor predisposition; Hereditary Cancer Syndrome; Neoplastic Syndromes, Hereditary; Hereditary neoplastic syndrome. Identifiers: Orphanet 140162, MedGen C0027672, MeSH D009386, MONDO:0015356.

Submission:

Ambry Genetics
Classification: Uncertain significance for Hereditary cancer-predisposing syndrome. Last evaluated: 2024-12-30. Review status: criteria provided, single submitter. Criteria: Ambry Variant Classification Scheme 2023. Collection method: clinical testing. Allele origin: germline.
Comment: The p.N947S variant (also known as c.2840A>G), located in coding exon 4 of the MSH6 gene, results from an A to G substitution at nucleotide position 2840. The asparagine at codon 947 is replaced by serine, an amino acid with highly similar properties. This amino acid position is not well conserved in available vertebrate species. In addition, this alteration is predicted to be tolerated by in silico analysis. Based on the available evidence, the clinical significance of this variant remains unclear.